The following is an entry in ClinVar:

ClinVar aggregate classification (germline): Benign/Likely benign. Review status: criteria provided, multiple submitters, no conflicts (2 of 4 stars). 3 submissions from 3 submitters: Benign (1); Likely benign (2). Last evaluated 2025-10-14.

Conditions:
Multiple endocrine neoplasia, type 2 (MEN2). Identifiers: Orphanet 653, MedGen C4048306, MONDO:0019003. Disease mechanism: gain of function.
Hereditary cancer-predisposing syndrome. Also called: Hereditary neoplastic syndrome; Tumor predisposition; Neoplastic Syndromes, Hereditary; Hereditary Cancer Syndrome. Identifiers: Orphanet 140162, MedGen C0027672, MeSH D009386, MONDO:0015356.
Multiple endocrine neoplasia type 2A. Also called: Multiple Endocrine Neoplasia Type 2A (MEN2A); MULTIPLE ENDOCRINE NEOPLASIA, TYPE IIA; PTC SYNDROME; SIPPLE SYNDROME; MEN 2A; MEN-2A syndrome. Identifiers: Orphanet 247698, Orphanet 653, MedGen C0025268, MeSH D018813, MONDO:0008234, OMIM 171400.

Allele frequency attached by ClinVar (database versions not stated): gnomAD exomes below 0.00001 and 0.00001; TOPMed below 0.00001; ExAC 0.00001.
gnomAD v4.1: 10 of 1,613,550 alleles (0.00062%); highest among the groups gnomAD compares: South Asian, 0.0011%; no homozygotes.

Submissions (3):

Labcorp Genetics (formerly Invitae), Labcorp
Classification: Likely benign for Multiple endocrine neoplasia, type 2. Last evaluated: 2025-10-14. Review status: criteria provided, single submitter. Criteria: Invitae Variant Classification Sherloc (09022015). Collection method: clinical testing. Allele origin: germline.

Myriad Genetics, Inc.
Classification: Benign for Multiple endocrine neoplasia type 2A. Last evaluated: 2025-02-27. Review status: criteria provided, single submitter. Criteria: Myriad Autosomal Dominant, Autosomal Recessive and X-Linked Classification Criteria (2023). Collection method: clinical testing. Allele origin: unknown.
Comment: This variant is considered benign. This variant is a silent/synonymous amino acid change and it is not expected to impact splicing.

Ambry Genetics
Classification: Likely benign for Hereditary cancer-predisposing syndrome. Last evaluated: 2021-11-10. Review status: criteria provided, single submitter. Criteria: Ambry Variant Classification Scheme 2023. Collection method: clinical testing. Allele origin: germline.

NM_020975.6(RET):c.2565C>T (p.Ala855=)

Gene: RET (ret proto-oncogene; plus strand). Cytogenetic location: 10q11.21.
Variant type: single nucleotide variant.
Coding change: c.2565C>T on transcript NM_020975.6 (MANE Select); coding-DNA position 2565, C replaced by T.
Protein change: p.Ala855=; no amino-acid change (alanine 855 retained).
Molecular consequence: synonymous variant.
Genome position (GRCh38, 1-based): chr10:43,119,703, C>T. VCF-style: chr10-43119703-C-T. GRCh37 (hg19) VCF-style: chr10-43615151-C-T.
Other names: c.2565C>T, p.Ala855= (NM_000323.2, NM_001406743.1, NM_001406744.1 and 4 more transcripts); c.1803C>T, p.Ala601= (NM_001355216.2); c.2436C>T, p.Ala812= (NM_001406761.1, NM_001406762.1, NM_001406764.1); c.2430C>T, p.Ala810= (NM_001406763.1, NM_001406765.1); c.2277C>T, p.Ala759= (NM_001406766.1, NM_001406767.1, NM_001406770.1); c.2301C>T, p.Ala767= (NM_001406768.1); c.2169C>T, p.Ala723= (NM_001406769.1, NM_001406772.1); c.2127C>T, p.Ala709= (NM_001406771.1, NM_001406773.1); and 10 more.
Identifiers: ClinVar variation 1548428 (VCV001548428.12), dbSNP rs773912702, ClinGen allele CA039809.